The following is an entry in ClinVar:

ClinVar aggregate classification (germline): Likely benign (1 of 4 stars; one submission).

Submission:

CeGaT Center for Human Genetics Tuebingen
Classification: Likely benign. Last evaluated: 2026-09-01. Review status: criteria provided, single submitter. Criteria: CeGaT Center For Human Genetics Tuebingen Variant Classification Criteria Version 2. Collection method: clinical testing. Allele origin: germline. Affected: yes. Observed: 1 variant allele.
Comment: OAS3: BP4, BP7

NM_006187.4(OAS3):c.2559G>A (p.Glu853=)

Gene: OAS3 (2'-5'-oligoadenylate synthetase 3; plus strand). Cytogenetic location: 12q24.13.
Variant type: single nucleotide variant.
Coding change: c.2559G>A on transcript NM_006187.4 (MANE Select); coding-DNA position 2559, G replaced by A.
Protein change: p.Glu853=; no amino-acid change (glutamic acid 853 retained).
Molecular consequence: synonymous variant.
Genome position (GRCh38, 1-based): chr12:112,965,899, G>A. VCF-style: chr12-112965899-G-A. GRCh37 (hg19) VCF-style: chr12-113403704-G-A.
Other names: c.2406G>A, p.Glu802= (NM_001410984.1).
Identifiers: ClinVar variation 5041775 (VCV005041775.1).